The following is an entry in ClinVar:

ClinVar aggregate classification (germline): Conflicting classifications of pathogenicity. Review status: criteria provided, conflicting classifications (1 of 4 stars). 3 submissions from 3 submitters: Uncertain significance (2); Benign (1). Last evaluated 2024-04-18.

Conditions:
Heterotopia, periventricular, X-linked dominant (PVNH1). Also called: PERIVENTRICULAR NODULAR HETEROTOPIA 4; HETEROTOPIA, PERIVENTRICULAR, 1; PERIVENTRICULAR NODULAR HETEROTOPIA 1; X-linked periventricular heterotopia. Identifiers: Orphanet 2149, Orphanet 82004, MedGen C1848213, MONDO:0010233, OMIM 300049.
Melnick-Needles syndrome (MNS). Also called: Melnick-Needles Syndrome (FLNA-MNS); MELNICK-NEEDLES OSTEODYSPLASTY; OSTEODYSPLASTY OF MELNICK AND NEEDLES. Identifiers: Orphanet 2484, MedGen C0025237, MONDO:0010650, OMIM 309350.
Oto-palato-digital syndrome, type II (OPD2). Also called: Otopalatodigital Syndrome Type 2 (FLNA-OPD2); OPD II SYNDROME; FACIOPALATOOSSEOUS SYNDROME; Otopalatodigital Syndrome, Type II. Identifiers: Orphanet 669, Orphanet 90652, MedGen C1844696, MONDO:0010571, OMIM 304120.
Frontometaphyseal dysplasia (FMD1). Identifiers: Orphanet 1826, MedGen C0265293, MONDO:0015942.
Frontometaphyseal dysplasia 1 (FMD1). Also called: Frontometaphyseal Dysplasia (FLNA-FMD). Identifiers: Orphanet 1826, MedGen C4281559, MONDO:0024550, OMIM 305620.

Allele frequency attached by ClinVar (database versions not stated): ExAC 0.00001; gnomAD 0.00002 and 0.00003; gnomAD exomes 0.00002 and 0.00003; TOPMed 0.00002; 1000 Genomes Project 30x 0.00021; 1000 Genomes Project 0.00026.
gnomAD v4.1: 32 of 1,209,974 alleles (0.0026%); highest among the groups gnomAD compares: South Asian, 0.0053%; no homozygotes.

Submissions (3):

Labcorp Genetics (formerly Invitae), Labcorp
Classification: Benign for Oto-palato-digital syndrome, type II; Heterotopia, periventricular, X-linked dominant; Frontometaphyseal dysplasia; Melnick-Needles syndrome. Last evaluated: 2024-04-18. Review status: criteria provided, single submitter. Criteria: Invitae Variant Classification Sherloc (09022015). Collection method: clinical testing. Allele origin: germline.

Blueprint Genetics
Classification: Uncertain significance. Last evaluated: 2024-03-15. Review status: criteria provided, single submitter. Criteria: ACMG Guidelines, 2015. Collection method: clinical testing. Allele origin: germline.

Juno Genomics, Hangzhou Juno Genomics, Inc
Classification: Uncertain significance for Frontometaphyseal dysplasia 1. Review status: criteria provided, single submitter. Criteria: ACMG Guidelines, 2015. Collection method: clinical testing. Allele origin: germline. Affected: yes.
Comment: Absent from controls (or at extremely low frequency if recessive) in Genome Aggregation Database, Exome Sequencing Project, 1000 Genomes Project, or Exome Aggregation Consortium.;Multiple lines of computational evidence support a deleterious effect on the gene or gene product (conservation, evolutionary, splicing impact, etc).;The prevalence of the variant in affected individuals is significantly increased compared to the prevalence in controls.;Patient's phenotype or family history is highly specific for a disease with a single genetic etiology.

NM_001110556.2(FLNA):c.3755C>T (p.Ala1252Val)

Gene: FLNA (filamin A; minus strand). Cytogenetic location: Xq28.
Variant type: single nucleotide variant.
Coding change: c.3755C>T on transcript NM_001110556.2 (MANE Select); coding-DNA position 3755, C replaced by T.
Protein change: p.Ala1252Val; replaces alanine 1252 with valine.
Molecular consequence: missense variant.
Genome position (GRCh38, 1-based): chrX:154,360,040, G>A on the plus strand (C>T on the coding strand, the complement: FLNA is on the minus strand). VCF-style: chrX-154360040-G-A. GRCh37 (hg19) VCF-style: chrX-153588408-G-A.
Other names: c.3755C>T, p.Ala1252Val (NM_001456.4); short protein forms A1252V.
Identifiers: ClinVar variation 1493937 (VCV001493937.9), dbSNP rs782538253, ClinGen allele CA10560666.
Genomic context (GRCh38, chrX:154,360,040, plus strand): 5'-GGCAACTCACCCTGGCCCTCAATACCAGGCCCATAGCACTGGACACCGGAAGTGTCCACC[G>A]CAGGTTCCACCTGCAGCTTGCTGGGGAAGTTGGGCACGGGCTGGCCGCCGTACTTGATGG-3'
Protein context (NP_001104026.1, residues 1242-1262): NFPSKLQVEP[Ala1252Val]VDTSGVQCYG